The following is an entry in ClinVar:

ClinVar aggregate classification (germline): Uncertain significance (1 of 4 stars; one submission).

Conditions:
Primary ciliary dyskinesia. Also called: Ciliary dyskinesia. Identifiers: Orphanet 244, MedGen C0008780, MONDO:0016575, HP:0012265.

Submission:

Labcorp Genetics (formerly Invitae), Labcorp
Classification: Uncertain significance for Primary ciliary dyskinesia. Last evaluated: 2022-09-06. Review status: criteria provided, single submitter. Criteria: Invitae Variant Classification Sherloc (09022015). Collection method: clinical testing. Allele origin: germline.
Comment: In summary, the available evidence is currently insufficient to determine the role of this variant in disease. Therefore, it has been classified as a Variant of Uncertain Significance. Algorithms developed to predict the effect of missense changes on protein structure and function output the following: SIFT: "Tolerated"; PolyPhen-2: "Probably Damaging"; Align-GVGD: "Class C0". The glutamine amino acid residue is found in multiple mammalian species, which suggests that this missense change does not adversely affect protein function. ClinVar contains an entry for this variant (Variation ID: 959652). This variant has not been reported in the literature in individuals affected with CCDC40-related conditions. This variant is not present in population databases (gnomAD no frequency). This sequence change replaces lysine, which is basic and polar, with glutamine, which is neutral and polar, at codon 842 of the CCDC40 protein (p.Lys842Gln).

NM_017950.4(CCDC40):c.2524A>C (p.Lys842Gln)

Gene: CCDC40 (coiled-coil domain 40 molecular ruler complex subunit; plus strand). Cytogenetic location: 17q25.3.
Variant type: single nucleotide variant.
Coding change: c.2524A>C on transcript NM_017950.4 (MANE Select); coding-DNA position 2524, A replaced by C.
Protein change: p.Lys842Gln; replaces lysine 842 with glutamine.
Molecular consequence: missense variant.
Genome position (GRCh38, 1-based): chr17:80,087,681, A>C. VCF-style: chr17-80087681-A-C. GRCh37 (hg19) VCF-style: chr17-78061480-A-C.
Other names: c.2524A>C, p.Lys842Gln (NM_001243342.2); short protein forms K842Q.
Identifiers: ClinVar variation 959652 (VCV000959652.10), dbSNP rs2038615740, ClinGen allele CA401348576.